The following is an entry in ClinVar:

ClinVar aggregate classification (germline): Uncertain significance. Review status: criteria provided, multiple submitters, no conflicts (2 of 4 stars). 4 submissions from 4 submitters: Uncertain significance (4). Last evaluated 2025-05-27.

Conditions:
Hereditary cancer-predisposing syndrome. Also called: Tumor predisposition; Hereditary Cancer Syndrome; Hereditary neoplastic syndrome; Neoplastic Syndromes, Hereditary. Identifiers: Orphanet 140162, MedGen C0027672, MeSH D009386, MONDO:0015356.
Familial cancer of breast. Also called: BREAST CANCER, FAMILIAL; Hereditary breast cancer; hereditary breast carcinoma. Identifiers: Orphanet 227535, MedGen C0346153, MONDO:0016419, OMIM 114480. Disease mechanism: loss of function.

Allele frequency attached by ClinVar (database versions not stated): gnomAD exomes below 0.00001.
gnomAD v4.1: 1 of 1,592,912 alleles (0.000063%); highest among the groups gnomAD compares: Non-Finnish European, 0.000086%; no homozygotes.

Submissions (4):

Labcorp Genetics (formerly Invitae), Labcorp
Classification: Uncertain significance for Familial cancer of breast. Last evaluated: 2025-05-27. Review status: criteria provided, single submitter. Criteria: Invitae Variant Classification Sherloc (09022015). Collection method: clinical testing. Allele origin: germline.
Comment: This sequence change falls in intron 10 of the PALB2 gene. It does not directly change the encoded amino acid sequence of the PALB2 protein. It affects a nucleotide within the consensus splice site. This variant is not present in population databases (gnomAD no frequency). This variant has not been reported in the literature in individuals affected with PALB2-related conditions. ClinVar contains an entry for this variant (Variation ID: 410183). Variants that disrupt the consensus splice site are a relatively common cause of aberrant splicing (PMID: 17576681, 9536098). Algorithms developed to predict the effect of sequence changes on RNA splicing suggest that this variant may disrupt the consensus splice site. In summary, the available evidence is currently insufficient to determine the role of this variant in disease. Therefore, it has been classified as a Variant of Uncertain Significance.

Ambry Genetics
Classification: Uncertain significance for Hereditary cancer-predisposing syndrome. Last evaluated: 2024-12-11. Review status: criteria provided, single submitter. Criteria: Ambry Variant Classification Scheme 2023. Collection method: clinical testing. Allele origin: germline.
Comment: The c.3114-3A>G intronic variant results from an A to G substitution 3 nucleotides upstream from coding exon 11 in the PALB2 gene. This nucleotide position is well conserved in available vertebrate species. In silico splice site analysis predicts that this alteration will weaken the native splice acceptor site. RNA studies have demonstrated that this alteration results in an incomplete splice defect; the clinical impact of this abnormal splicing is unknown at this time (Ambry internal data). Since supporting evidence is limited at this time, the clinical significance of this alteration remains unclear.

Quest Diagnostics Nichols Institute San Juan Capistrano
Classification: Uncertain significance. Last evaluated: 2021-08-10. Review status: criteria provided, single submitter. Criteria: Quest Diagnostics criteria. Collection method: clinical testing. Allele origin: unknown.

Color Diagnostics, LLC DBA Color Health
Classification: Uncertain significance for Hereditary cancer-predisposing syndrome. Last evaluated: 2018-08-17. Review status: criteria provided, single submitter. Criteria: ACMG Guidelines, 2015. Collection method: clinical testing. Allele origin: germline.

Literature cited by the submitters: PubMed 17576681 (cited by Labcorp Genetics (formerly Invitae), Labcorp); PubMed 9536098 (cited by Labcorp Genetics (formerly Invitae), Labcorp).

NM_024675.4(PALB2):c.3114-3A>G

Gene: PALB2 (partner and localizer of BRCA2; minus strand). Cytogenetic location: 16p12.2.
Variant type: single nucleotide variant.
Coding change: c.3114-3A>G on transcript NM_024675.4 (MANE Select); 3 bases into the intron before coding-DNA position 3114, A replaced by G.
Molecular consequence: intron variant.
Genome position (GRCh38, 1-based): chr16:23,614,094, T>C on the plus strand (A>G on the coding strand, the complement: PALB2 is on the minus strand). VCF-style: chr16-23614094-T-C. GRCh37 (hg19) VCF-style: chr16-23625415-T-C.
Identifiers: ClinVar variation 410183 (VCV000410183.18), dbSNP rs1060502784, ClinGen allele CA16615074.